The following is an entry in ClinVar:

NM_002519.3(NPAT):c.1087G>C (p.Glu363Gln)

Gene: NPAT (nuclear protein, coactivator of histone transcription; minus strand). Cytogenetic location: 11q22.3.
Variant type: single nucleotide variant.
Coding change: c.1087G>C on transcript NM_002519.3 (MANE Select); coding-DNA position 1087, G replaced by C.
Protein change: p.Glu363Gln; replaces glutamic acid 363 with glutamine.
Molecular consequence: missense variant.
Genome position (GRCh38, 1-based): chr11:108,176,291, C>G on the plus strand (G>C on the coding strand, the complement: NPAT is on the minus strand). VCF-style: chr11-108176291-C-G. GRCh37 (hg19) VCF-style: chr11-108047018-C-G.
Other names: c.1087G>C, p.Glu363Gln (NM_001321307.1); short protein forms E363Q.
Identifiers: ClinVar variation 1788022 (VCV001788022.3), dbSNP rs2496725726, ClinGen allele CA382516778.

ClinVar aggregate classification (germline): Uncertain significance (1 of 4 stars; one submission).

Allele frequency attached by ClinVar (database versions not stated): gnomAD exomes below 0.00001.
gnomAD v4.1: 5 of 1,586,778 alleles (0.00032%); highest among the groups gnomAD compares: Non-Finnish European, 0.00043%; no homozygotes.

Submission:

Ambry Genetics
Classification: Uncertain significance. Last evaluated: 2023-08-30. Review status: criteria provided, single submitter. Criteria: Ambry Variant Classification Scheme 2023. Collection method: clinical testing. Allele origin: germline.
Comment: The p.E363Q variant (also known as c.1087G>C), located in coding exon 12 of the NPAT gene, results from a G to C substitution at nucleotide position 1087. The glutamic acid at codon 363 is replaced by glutamine, an amino acid with highly similar properties. This amino acid position is conserved. In addition, this alteration is predicted to be tolerated by in silico analysis. Since supporting evidence is limited at this time, the clinical significance of this alteration remains unclear.